The following is an entry in ClinVar:

NM_006073.4(TRDN):c.1975+1G>C

Gene: TRDN (triadin; minus strand). Cytogenetic location: 6q22.31.
Variant type: single nucleotide variant.
Coding change: c.1975+1G>C on transcript NM_006073.4 (MANE Select); the canonical splice donor site of the intron after coding-DNA position 1975, G replaced by C.
Molecular consequence: splice donor variant.
Genome position (GRCh38, 1-based): chr6:123,252,411, C>G on the plus strand (G>C on the coding strand, the complement: TRDN is on the minus strand). VCF-style: chr6-123252411-C-G. GRCh37 (hg19) VCF-style: chr6-123573556-C-G.
Identifiers: ClinVar variation 1783686 (VCV001783686.2), dbSNP rs2533504376, ClinGen allele CA365561850.

ClinVar aggregate classification (germline): Uncertain significance (1 of 4 stars; one submission).

Conditions:
Cardiovascular phenotype. Identifiers: MedGen CN230736.

Submission:

Ambry Genetics
Classification: Uncertain significance for Cardiovascular phenotype. Last evaluated: 2020-03-24. Review status: criteria provided, single submitter. Criteria: Ambry Variant Classification Scheme 2023. Collection method: clinical testing. Allele origin: germline.
Comment: The c.1975+1G>C intronic variant results from a G to C substitution one nucleotide after coding exon 38 of the TRDN gene. This nucleotide position is well conserved in available vertebrate species. Using the BDGP and ESEfinder splice site prediction tools, this alteration is predicted to abolish the native splice donor site; however, direct evidence is unavailable. Alterations that disrupt the canonical splice site are expected to cause aberrant splicing, resulting in an abnormal protein or a transcript that is subject to nonsense-mediated mRNA decay. However, this alteration does not impact the predominant cardiac isoform of TRDN (NM_001256021.1; Kobayashi YM et al. J. Biol. Chem., 1999 Oct;274:28660-8). Since supporting evidence is limited at this time, the clinical significance of this alteration remains unclear.